The following is an entry in ClinVar:

NM_001385012.1(NBEA):c.872A>G (p.Tyr291Cys)

Gene: NBEA (neurobeachin; plus strand). Cytogenetic location: 13q13.3.
Variant type: single nucleotide variant.
Coding change: c.872A>G on transcript NM_001385012.1 (MANE Select); coding-DNA position 872, A replaced by G.
Protein change: p.Tyr291Cys; replaces tyrosine 291 with cysteine.
Molecular consequence: missense variant.
Genome position (GRCh38, 1-based): chr13:35,050,295, A>G. VCF-style: chr13-35050295-A-G. GRCh37 (hg19) VCF-style: chr13-35624432-A-G.
Other names: c.872A>G, p.Tyr291Cys (NM_001379245.1, NM_015678.5); short protein forms Y291C.
Identifiers: ClinVar variation 1696339 (VCV001696339.1), dbSNP rs2152563405, ClinGen allele CA387961914.

ClinVar aggregate classification (germline): Uncertain significance (1 of 4 stars; one submission).

Submission:

Women's Health and Genetics/Laboratory Corporation of America, LabCorp
Classification: Uncertain significance. Last evaluated: 2022-05-13. Review status: criteria provided, single submitter. Criteria: LabCorp Variant Classification Summary - May 2015. Collection method: clinical testing. Allele origin: germline.
Comment: Variant summary: NBEA c.872A>G (p.Tyr291Cys) results in a non-conservative amino acid change in the encoded protein sequence. Four of five in-silico tools predict a damaging effect of the variant on protein function. The variant was absent in 247000 control chromosomes (gnomAD). The available data on variant occurrences in the general population are insufficient to allow any conclusion about variant significance. To our knowledge, no occurrence of c.872A>G in individuals affected with Neurodevelopmental Disorder With Or Without Early-Onset Generalized Epilepsy and no experimental evidence demonstrating its impact on protein function have been reported. No clinical diagnostic laboratories have submitted clinical-significance assessments for this variant to ClinVar after 2014. Based on the evidence outlined above, the variant was classified as uncertain significance.